The following is an entry in ClinVar:

ClinVar aggregate classification (germline): Conflicting classifications of pathogenicity. Review status: criteria provided, conflicting classifications (1 of 4 stars). 8 submissions from 8 submitters: Pathogenic (2); Likely pathogenic (3); Uncertain significance (2). 1 of the submissions does not count toward it. Last evaluated 2026-06-21.

Conditions:
Paget disease of bone 6 (PDB6). Identifiers: MedGen C4085250, MONDO:0014792, OMIM 616833.

Allele frequency attached by ClinVar (database versions not stated): 1000 Genomes Project 0.00060; TOPMed 0.00053; ESP Exome Variant Server 0.00054; 1000 Genomes Project 30x 0.00047.
gnomAD v4.1: 308 of 1,568,152 alleles (0.02%); highest among the groups gnomAD compares: African/African-American, 0.097%; no homozygotes.

Submissions (8):

Victorian Clinical Genetics Services, Murdoch Childrens Research Institute
Classification: Pathogenic for Paget disease of bone 6. Last evaluated: 2026-06-21. Review status: criteria provided, single submitter. Criteria: ACMG Guidelines, 2015. Collection method: clinical testing. Allele origin: germline.
Comment: This variant is classified as Pathogenic. Evidence in support of pathogenic classification: Variant is present in gnomAD <0.001 for a dominant condition (v4: 308 heterozygote(s), 0 homozygote(s)); This variant has strong previous evidence of pathogenicity in unrelated individuals. This variant has been classified as VUS, likely pathogenic and pathogenic by clinical laboratories in ClinVar. It is well-reported in the Italian population and has been suggested to be a founder mutation (PMIDs: 26849110, 29493781); This variant has moderate functional evidence supporting abnormal protein function. Zfp678 p.(Pro937Arg) knock-in mouse models recapitulate Paget's disease phenotype (PMID: 36918542). Evidence in support of benign classification: Missense variant predicted to be tolerated by in silico tool(s) or not conserved in placental mammals with a minor amino acid change. Additional information: Variant is predicted to result in a missense amino acid change from Pro to Arg; This variant is heterozygous; This gene is associated with autosomal dominant disease; Another missense variant comparable to the one identified in this case has inconclusive previous evidence for pathogenicity. The p.(Arg937His) variant has been classified as a VUS by clinical diagnostic laboratories (ClinVar); Variant is located in the annotated nuclear localisation signal (PMID: 29493781); Gain of function is a likely mechanism of disease in this gene and is associated with Paget disease of bone 6 (MIM#616833). Gain of function has specifically been demonstrated for the p.(Pro937Arg) variant (PMID: 26849110).

Labcorp Genetics (formerly Invitae), Labcorp
Classification: Uncertain significance. Last evaluated: 2026-01-12. Review status: criteria provided, single submitter. Criteria: Invitae Variant Classification Sherloc (09022015). Collection method: clinical testing. Allele origin: germline.
Comment: This sequence change replaces proline, which is neutral and non-polar, with arginine, which is basic and polar, at codon 937 of the ZNF687 protein (p.Pro937Arg). This variant is present in population databases (rs148402804, gnomAD 0.07%), and has an allele count higher than expected for a pathogenic variant. This missense change has been observed in individual(s) with Paget's disease of bone (PMID: 26849110, 29493781). ClinVar contains an entry for this variant (Variation ID: 222987). An algorithm developed to predict the effect of missense changes on protein structure and function outputs the following: PolyPhen-2: "Benign". The arginine amino acid residue is found in multiple mammalian species, which suggests that this missense change does not adversely affect protein function. Experimental studies have shown that this missense change affects ZNF687 function (PMID: 36918542). In summary, the available evidence is currently insufficient to determine the role of this variant in disease. Therefore, it has been classified as a Variant of Uncertain Significance.

Center for Genomic Medicine, Rigshospitalet, Copenhagen University Hospital
Classification: Likely pathogenic. Last evaluated: 2025-03-04. Review status: criteria provided, single submitter. Criteria: ACMG Guidelines, 2015. Collection method: clinical testing. Allele origin: germline.

Institute for Genomic Medicine (IGM) Clinical Laboratory, Nationwide Children's Hospital
Classification: Pathogenic for Paget disease of bone 6. Last evaluated: 2024-09-12. Review status: criteria provided, single submitter. Criteria: ACMG Guidelines, 2015. Collection method: clinical testing. Allele origin: germline.
Comment: Well-established functional studies have demonstrated this variant to have a damaging effect on protein function or splicing (ACMG/AMP: PS3; PMID:36918542). This variant has been reported at an elevated frequency in affected individuals/in multiple affected individuals in the literature (ACMG/AMP: PS4; PMIDs:26849110, 22936311).

Revvity Omics, Revvity
Classification: Likely pathogenic for Paget disease of bone 6. Last evaluated: 2024-07-05. Review status: criteria provided, single submitter. Criteria: ACMG Guidelines, 2015. Collection method: clinical testing. Allele origin: germline.

Genomic Medicine Center of Excellence, King Faisal Specialist Hospital and Research Centre
Classification: Uncertain significance for Paget disease of bone 6. Last evaluated: 2024-04-04. Review status: criteria provided, single submitter. Criteria: ACMG Guidelines, 2015. Collection method: clinical testing. Allele origin: germline.

Genetics and Genomic Medicine Centre, NeuroGen Healthcare, NeuroGen Healthcare
Classification: Likely pathogenic for Paget disease of bone 6. Last evaluated: 2021-05-29. Review status: criteria provided, single submitter. Criteria: Submitter's publication. Collection method: clinical testing. Allele origin: unknown. Affected: no.

OMIM
Classification: Pathogenic for PAGET DISEASE OF BONE 6. Last evaluated: 2016-02-26. Review status: no assertion criteria provided. Collection method: literature only. Allele origin: germline. Not counted in ClinVar's aggregate classification.

Literature cited by the submitters: PubMed 36918542 (cited by 4 submitters); PubMed 29493781 (cited by 3 submitters); PubMed 26849110 (cited by 5 submitters); PubMed 22936311 (cited by Institute for Genomic Medicine (IGM) Clinical Laboratory, Nationwide Children's Hospital and OMIM); PubMed 15123951 (cited by OMIM).

NM_020832.3(ZNF687):c.2810C>G (p.Pro937Arg)

Gene: ZNF687 (zinc finger protein 687; plus strand). Cytogenetic location: 1q21.3.
Variant type: single nucleotide variant.
Coding change: c.2810C>G on transcript NM_020832.3 (MANE Select); coding-DNA position 2810, C replaced by G.
Protein change: p.Pro937Arg; replaces proline 937 with arginine.
Molecular consequence: missense variant.
Genome position (GRCh38, 1-based): chr1:151,289,853, C>G. VCF-style: chr1-151289853-C-G. GRCh37 (hg19) VCF-style: chr1-151262329-C-G.
Other names: c.2810C>G, p.Pro937Arg (NM_001304763.2, NM_001304764.2); c.2810C>G (NM_020832.2); short protein forms P937R.
Identifiers: ClinVar variation 222987 (VCV000222987.18), dbSNP rs148402804, ClinGen allele CA072935.